The following is an entry in ClinVar:

ClinVar aggregate classification (germline): Uncertain significance (1 of 4 stars; one submission).

Allele frequency attached by ClinVar (database versions not stated): gnomAD exomes below 0.00001; TOPMed below 0.00001.
gnomAD v4.1: 1 of 1,613,924 alleles (0.000062%); highest among the groups gnomAD compares: Non-Finnish European, 0.000085%; no homozygotes.

Submission:

Labcorp Genetics (formerly Invitae), Labcorp
Classification: Uncertain significance. Last evaluated: 2021-09-04. Review status: criteria provided, single submitter. Criteria: Invitae Variant Classification Sherloc (09022015). Collection method: clinical testing. Allele origin: germline.
Comment: Algorithms developed to predict the effect of missense changes on protein structure and function output the following: SIFT: "Not Available"; PolyPhen-2: "Benign"; Align-GVGD: "Not Available". The valine amino acid residue is found in multiple mammalian species, which suggests that this missense change does not adversely affect protein function. In summary, the available evidence is currently insufficient to determine the role of this variant in disease. Therefore, it has been classified as a Variant of Uncertain Significance. This variant has not been reported in the literature in individuals affected with CDH3-related conditions. This variant is not present in population databases (ExAC no frequency). This sequence change replaces isoleucine with valine at codon 95 of the CDH3 protein (p.Ile95Val). The isoleucine residue is weakly conserved and there is a small physicochemical difference between isoleucine and valine.

NM_001793.6(CDH3):c.283A>G (p.Ile95Val)

Gene: CDH3 (cadherin 3; plus strand). Cytogenetic location: 16q22.1.
Variant type: single nucleotide variant.
Coding change: c.283A>G on transcript NM_001793.6 (MANE Select); coding-DNA position 283, A replaced by G.
Protein change: p.Ile95Val; replaces isoleucine 95 with valine.
Molecular consequence: missense variant.
Genome position (GRCh38, 1-based): chr16:68,678,170, A>G. VCF-style: chr16-68678170-A-G. GRCh37 (hg19) VCF-style: chr16-68712073-A-G.
Other names: c.283A>G, p.Ile95Val (NM_001317195.3); c.118A>G, p.Ile40Val (NM_001317196.2); short protein forms I40V, I95V.
Identifiers: ClinVar variation 1467160 (VCV001467160.6), dbSNP rs1375906157, ClinGen allele CA396448603.